The following is an entry in ClinVar:

NM_006904.7(PRKDC):c.11366G>A (p.Arg3789Lys)

Gene: PRKDC (protein kinase, DNA-activated, catalytic subunit; minus strand). Cytogenetic location: 8q11.21.
Variant type: single nucleotide variant.
Coding change: c.11366G>A on transcript NM_006904.7 (MANE Select); coding-DNA position 11366, G replaced by A.
Protein change: p.Arg3789Lys; replaces arginine 3789 with lysine.
Molecular consequence: missense variant.
Genome position (GRCh38, 1-based): chr8:47,782,408, C>T on the plus strand (G>A on the coding strand, the complement: PRKDC is on the minus strand). VCF-style: chr8-47782408-C-T. GRCh37 (hg19) VCF-style: chr8-48694969-C-T.
Other names: c.11366G>A, p.Arg3789Lys (NM_001081640.2); short protein forms R3789K.
Identifiers: ClinVar variation 1026592 (VCV001026592.3), dbSNP rs1002822430, ClinGen allele CA176142021.

ClinVar aggregate classification (germline): Uncertain significance (1 of 4 stars; one submission).

Conditions:
Severe combined immunodeficiency due to DNA-PKcs deficiency. Also called: IMMUNODEFICIENCY 26 WITH NEUROLOGIC ABNORMALITIES; Immunodeficiency 26 with or without neurologic abnormalities. Identifiers: Orphanet 317425, MedGen C4014833, MONDO:0014423, OMIM 615966.

Allele frequency attached by ClinVar (database versions not stated): TOPMed 0.00001.

Submission:

Labcorp Genetics (formerly Invitae), Labcorp
Classification: Uncertain significance for Severe combined immunodeficiency due to DNA-PKcs deficiency. Last evaluated: 2020-06-26. Review status: criteria provided, single submitter. Criteria: Invitae Variant Classification Sherloc (09022015). Collection method: clinical testing. Allele origin: germline.
Comment: This variant has not been reported in the literature in individuals with PRKDC-related conditions. In summary, the available evidence is currently insufficient to determine the role of this variant in disease. Therefore, it has been classified as a Variant of Uncertain Significance. Experimental studies and prediction algorithms are not available or were not evaluated, and the functional significance of this variant is currently unknown. This variant is not present in population databases (ExAC no frequency). This sequence change replaces arginine with lysine at codon 3789 of the PRKDC protein (p.Arg3789Lys). The arginine residue is weakly conserved and there is a small physicochemical difference between arginine and lysine.